The following is an entry in ClinVar:

ClinVar aggregate classification (germline): Uncertain significance. Review status: criteria provided, multiple submitters, no conflicts (2 of 4 stars). 2 submissions from 2 submitters: Uncertain significance (2). Last evaluated 2025-12-18.

Conditions:
EFTUD2-related disorder. Also called: EFTUD2-related condition.

gnomAD v4.1: 15 of 1,578,860 alleles (0.00095%); highest among the groups gnomAD compares: African/African-American, 0.0027%; no homozygotes.

Submissions (2):

PreventionGenetics, part of Exact Sciences
Classification: Uncertain significance for EFTUD2-related condition. Last evaluated: 2025-12-18. Review status: criteria provided, single submitter. Criteria: ACMG Guidelines, 2015. Collection method: clinical testing. Allele origin: germline.
Comment: The EFTUD2 c.2816G>A variant is predicted to result in the amino acid substitution p.Arg939His. To our knowledge, this variant has not been reported in the literature. This variant is reported in 0.0045% of alleles in individuals of African descent in gnomAD. At this time, the clinical significance of this variant is uncertain due to the absence of conclusive functional and genetic evidence.

Labcorp Genetics (formerly Invitae), Labcorp
Classification: Uncertain significance. Last evaluated: 2024-07-15. Review status: criteria provided, single submitter. Criteria: Invitae Variant Classification Sherloc (09022015). Collection method: clinical testing. Allele origin: germline.
Comment: This sequence change replaces arginine, which is basic and polar, with histidine, which is basic and polar, at codon 939 of the EFTUD2 protein (p.Arg939His). This variant is present in population databases (rs763935473, gnomAD 0.005%). This variant has not been reported in the literature in individuals affected with EFTUD2-related conditions. Advanced modeling of protein sequence and biophysical properties (such as structural, functional, and spatial information, amino acid conservation, physicochemical variation, residue mobility, and thermodynamic stability) performed at Invitae indicates that this missense variant is expected to disrupt EFTUD2 protein function with a positive predictive value of 80%. In summary, the available evidence is currently insufficient to determine the role of this variant in disease. Therefore, it has been classified as a Variant of Uncertain Significance.

NM_004247.4(EFTUD2):c.2816G>A (p.Arg939His)

Gene: EFTUD2 (elongation factor Tu GTP binding domain containing 2; minus strand). Cytogenetic location: 17q21.31.
Variant type: single nucleotide variant.
Coding change: c.2816G>A on transcript NM_004247.4 (MANE Select); coding-DNA position 2816, G replaced by A.
Protein change: p.Arg939His; replaces arginine 939 with histidine.
Molecular consequence: missense variant.
Genome position (GRCh38, 1-based): chr17:44,851,717, C>T on the plus strand (G>A on the coding strand, the complement: EFTUD2 is on the minus strand). VCF-style: chr17-44851717-C-T. GRCh37 (hg19) VCF-style: chr17-42929085-C-T.
Other names: c.2711G>A, p.Arg904His (NM_001142605.2); c.2816G>A, p.Arg939His (NM_001258353.2); c.2786G>A, p.Arg929His (NM_001258354.2); c.2816G>A (NM_004247.3); short protein forms R904H, R929H, R939H.
Identifiers: ClinVar variation 3607165 (VCV003607165.3).
Genomic context (GRCh38, chr17:44,851,717, plus strand): 5'-TTCTGAGAGTCCTGGGGGGTTGAGGGATGGCAACAGGCCCAAGGGAGACATACCTTCCTA[C>T]GGCGGGTTTTGATCATGAATTCCCGGGCCAGGTGAGGAGCTGGCTGTGGCTCCAAGGGGC-3'
Protein context (NP_004238.3, residues 929-949): LAREFMIKTR[Arg939His]RKGLSEDVSI